The following is an entry in ClinVar:

ClinVar aggregate classification (germline): Uncertain significance. Review status: criteria provided, multiple submitters, no conflicts (2 of 4 stars). 2 submissions from 2 submitters: Uncertain significance (2). Last evaluated 2026-08-21.

Conditions:
Familial sleep-related hypermotor epilepsy. Also called: Autosomal Dominant Sleep-Related Hypermotor (Hyperkinetic) Epilepsy. Identifiers: Orphanet 98784, MedGen C3696898, MONDO:0000030.

gnomAD v4.1: 17 of 1,614,174 alleles (0.0011%); highest among the groups gnomAD compares: Non-Finnish European, 0.0014%; no homozygotes.

Submissions (2):

GeneDx
Classification: Uncertain significance. Last evaluated: 2026-08-21. Review status: criteria provided, single submitter. Criteria: GeneDx Variant Classification Process June 2021. Collection method: clinical testing. Allele origin: germline.
Comment: Not observed at significant frequency in large population cohorts (gnomAD); In silico analysis supports that this missense variant has a deleterious effect on protein structure/function; Has not been previously published as pathogenic or benign to our knowledge

Labcorp Genetics (formerly Invitae), Labcorp
Classification: Uncertain significance. Last evaluated: 2025-02-23. Review status: criteria provided, single submitter. Criteria: Invitae Variant Classification Sherloc (09022015). Collection method: clinical testing. Allele origin: germline.
Comment: This sequence change replaces histidine, which is basic and polar, with tyrosine, which is neutral and polar, at codon 65 of the CHRNA2 protein (p.His65Tyr). This variant is present in population databases (rs200035862, gnomAD 0.002%). This variant has not been reported in the literature in individuals affected with CHRNA2-related conditions. Invitae Evidence Modeling of protein sequence and biophysical properties (such as structural, functional, and spatial information, amino acid conservation, physicochemical variation, residue mobility, and thermodynamic stability) indicates that this missense variant is not expected to disrupt CHRNA2 protein function with a negative predictive value of 80%. In summary, the available evidence is currently insufficient to determine the role of this variant in disease. Therefore, it has been classified as a Variant of Uncertain Significance.

NM_000742.4(CHRNA2):c.193C>T (p.His65Tyr)

Gene: CHRNA2 (cholinergic receptor nicotinic alpha 2 subunit; minus strand). Cytogenetic location: 8p21.2.
Variant type: single nucleotide variant.
Coding change: c.193C>T on transcript NM_000742.4 (MANE Select); coding-DNA position 193, C replaced by T.
Protein change: p.His65Tyr; replaces histidine 65 with tyrosine.
Molecular consequence: missense variant. On other transcripts: 5 prime UTR variant (4).
Genome position (GRCh38, 1-based): chr8:27,469,862, G>A on the plus strand (C>T on the coding strand, the complement: CHRNA2 is on the minus strand). VCF-style: chr8-27469862-G-A. GRCh37 (hg19) VCF-style: chr8-27327379-G-A.
Other names: c.193C>T, p.His65Tyr (NM_001282455.2); c.-235C>T (NM_001347705.2); c.-280C>T (NM_001347706.2); c.-221C>T (NM_001347707.2); c.-269C>T (NM_001347708.2); short protein forms H65Y.
Identifiers: ClinVar variation 4685235 (VCV004685235.3).